The following is an entry in ClinVar:

ClinVar aggregate classification (germline): Benign. Review status: criteria provided, multiple submitters, no conflicts (2 of 4 stars). 2 submissions from 2 submitters: Benign (2). Last evaluated 2025-03-20.

Conditions:
Emery-Dreifuss muscular dystrophy 5, autosomal dominant (EDMD5). Also called: EMERY-DREIFUSS MUSCULAR DYSTROPHY 5. Identifiers: Orphanet 261, MedGen C2751805, MONDO:0013072, OMIM 612999.

Allele frequency attached by ClinVar (database versions not stated): gnomAD 0.00004 and 0.00007; TOPMed 0.00005; gnomAD exomes 0.00010 and 0.00019; ExAC 0.00019; 1000 Genomes Project 30x 0.00047; 1000 Genomes Project 0.00060.
gnomAD v4.1: 241 of 1,391,910 alleles (0.017%); highest among the groups gnomAD compares: East Asian, 0.57%; no homozygotes.

Submissions (2):

Labcorp Genetics (formerly Invitae), Labcorp
Classification: Benign for Emery-Dreifuss muscular dystrophy 5, autosomal dominant. Last evaluated: 2025-03-20. Review status: criteria provided, single submitter. Criteria: Invitae Variant Classification Sherloc (09022015). Collection method: clinical testing. Allele origin: germline.

Illumina Laboratory Services, Illumina
Classification: Benign for Emery-Dreifuss muscular dystrophy 5, autosomal dominant. Last evaluated: 2018-01-12. Review status: criteria provided, single submitter. Criteria: ICSL Variant Classification Criteria 13 December 2019. Collection method: clinical testing. Allele origin: germline.
Comment: This variant was observed in the ICSL laboratory as part of a predisposition screen in an ostensibly healthy population. It had not been previously curated by ICSL or reported in the Human Gene Mutation Database (HGMD: prior to June 1st, 2018), and was therefore a candidate for classification through an automated scoring system. Utilizing variant allele frequency, disease prevalence and penetrance estimates, and inheritance mode, an automated score was calculated to assess if this variant is too frequent to cause the disease. Based on the score and internal cut-off values, a variant classified as benign is not then subjected to further curation. The score for this variant resulted in a classification of benign for this disease.

NM_182914.3(SYNE2):c.5637+13T>A

Gene: SYNE2 (spectrin repeat containing nuclear envelope protein 2; plus strand). Cytogenetic location: 14q23.2.
Variant type: single nucleotide variant.
Coding change: c.5637+13T>A on transcript NM_182914.3 (MANE Select); 13 bases into the intron after coding-DNA position 5637, T replaced by A.
Molecular consequence: intron variant.
Genome position (GRCh38, 1-based): chr14:64,022,876, T>A. VCF-style: chr14-64022876-T-A. GRCh37 (hg19) VCF-style: chr14-64489594-T-A.
Other names: c.5637+13T>A (NM_015180.6).
Identifiers: ClinVar variation 313517 (VCV000313517.9), dbSNP rs138898760, ClinGen allele CA7220513.